The following is an entry in ClinVar:

NM_033004.4(NLRP1):c.2290G>C (p.Val764Leu)

Gene: NLRP1 (NLR family pyrin domain containing 1; minus strand). Cytogenetic location: 17p13.2.
Variant type: single nucleotide variant.
Coding change: c.2290G>C on transcript NM_033004.4 (MANE Select); coding-DNA position 2290, G replaced by C.
Protein change: p.Val764Leu; replaces valine 764 with leucine.
Molecular consequence: missense variant.
Genome position (GRCh38, 1-based): chr17:5,558,406, C>G on the plus strand (G>C on the coding strand, the complement: NLRP1 is on the minus strand). VCF-style: chr17-5558406-C-G. GRCh37 (hg19) VCF-style: chr17-5461726-C-G.
Other names: c.2290G>C, p.Val764Leu (NM_001033053.3, NM_014922.5, NM_033006.4 and 1 more transcripts); short protein forms V764L.
Identifiers: ClinVar variation 1424377 (VCV001424377.8), dbSNP rs140677797, ClinGen allele CA8327218.

ClinVar aggregate classification (germline): Uncertain significance (1 of 4 stars; one submission).

gnomAD v4.1: 35 of 1,613,964 alleles (0.0022%); highest among the groups gnomAD compares: Middle Eastern, 0.033%; 2 homozygotes.

Submission:

Labcorp Genetics (formerly Invitae), Labcorp
Classification: Uncertain significance. Last evaluated: 2025-12-09. Review status: criteria provided, single submitter. Criteria: Invitae Variant Classification Sherloc (09022015). Collection method: clinical testing. Allele origin: germline.
Comment: This sequence change replaces valine, which is neutral and non-polar, with leucine, which is neutral and non-polar, at codon 764 of the NLRP1 protein (p.Val764Leu). This variant is present in population databases (rs140677797, gnomAD 0.007%). This variant has not been reported in the literature in individuals affected with NLRP1-related conditions. ClinVar contains an entry for this variant (Variation ID: 1424377). An algorithm developed to predict the effect of missense changes on protein structure and function (PolyPhen-2) suggests that this variant is likely to be disruptive. In summary, the available evidence is currently insufficient to determine the role of this variant in disease. Therefore, it has been classified as a Variant of Uncertain Significance.